The following is an entry in ClinVar:

NM_001792.5(CDH2):c.73G>T (p.Ala25Ser)

Gene: CDH2 (cadherin 2; minus strand). Cytogenetic location: 18q12.1.
Variant type: single nucleotide variant.
Coding change: c.73G>T on transcript NM_001792.5 (MANE Select); coding-DNA position 73, G replaced by T.
Protein change: p.Ala25Ser; replaces alanine 25 with serine.
Molecular consequence: missense variant.
Genome position (GRCh38, 1-based): chr18:28,147,772, C>A on the plus strand (G>T on the coding strand, the complement: CDH2 is on the minus strand). VCF-style: chr18-28147772-C-A. GRCh37 (hg19) VCF-style: chr18-25727736-C-A.
Other names: short protein forms A25S.
Identifiers: ClinVar variation 2504276 (VCV002504276.1), dbSNP rs2510778357, ClinGen allele CA402244740.

ClinVar aggregate classification (germline): Uncertain significance (1 of 4 stars; one submission).

Submission:

GeneDx
Classification: Uncertain significance. Last evaluated: 2023-06-05. Review status: criteria provided, single submitter. Criteria: GeneDx Variant Classification Process June 2021. Collection method: clinical testing. Allele origin: germline. Affected: yes.
Comment: Not observed at significant frequency in large population cohorts (gnomAD); In silico analysis supports that this missense variant does not alter protein structure/function; Has not been previously published as pathogenic or benign to our knowledge